The following is an entry in ClinVar:

NM_005751.5(AKAP9):c.9578+4_9578+5del

Gene: AKAP9 (A-kinase anchoring protein 9; plus strand). Cytogenetic location: 7q21.2.
Variant type: Microsatellite.
Coding change: c.9578+4_9578+5del on transcript NM_005751.5 (MANE Select); bases 4 to 5 of the intron after coding-DNA position 9578, 2 bases deleted (TG; older notation c.9578+4_9578+5delTG).
Molecular consequence: splice donor variant.
Genome position (GRCh38, 1-based): chr7:92,093,320-92,093,321, TG deleted; deleting any 2 consecutive bases within chr7:92,093,317-92,093,321 gives the same sequence; the c. name uses the placement nearest the transcript's 3' end. VCF-style (leftmost placement, unchanged base first): chr7-92093316-GGT-G. GRCh37 (hg19) VCF-style: chr7-91722630-GGT-G.
Other names: c.9554+4_9554+5del (NM_147185.3); c.4223+4_4223+5del (NM_001379277.1).
Identifiers: ClinVar variation 2574014 (VCV002574014.3), dbSNP rs2535289305, ClinGen allele CA2580615919.

ClinVar aggregate classification (germline): Uncertain significance (1 of 4 stars; one submission).

Conditions:
Long QT syndrome (LQTS). Identifiers: MedGen C0023976, MeSH D008133, MONDO:0002442. Disease mechanism: loss of function. Inheritance: Various modes of inheritance.

Submission:

Dept of Medical Biology, Uskudar University
Classification: Uncertain significance for Long QT syndrome. Last evaluated: 2024-01-08. Review status: criteria provided, single submitter. Criteria: Dept of Medical Biology Variant Classification. Collection method: research. Allele origin: paternal. Affected: yes. Observed: 1 variant allele.
Comment: Criteria: PM2